The following is an entry in ClinVar:

ClinVar aggregate classification (germline): Uncertain significance. Review status: criteria provided, multiple submitters, no conflicts (2 of 4 stars). 2 submissions from 2 submitters: Uncertain significance (2). Last evaluated 2025-12-03.

Allele frequency attached by ClinVar (database versions not stated): gnomAD 0.00004 and 0.00005; gnomAD exomes 0.00005; TOPMed 0.00005; ExAC 0.00007.

Submissions (2):

Ambry Genetics
Classification: Uncertain significance. Last evaluated: 2025-12-03. Review status: criteria provided, single submitter. Criteria: Ambry Variant Classification Scheme 2023. Collection method: clinical testing. Allele origin: germline.

Labcorp Genetics (formerly Invitae), Labcorp
Classification: Uncertain significance. Last evaluated: 2025-05-04. Review status: criteria provided, single submitter. Criteria: Invitae Variant Classification Sherloc (09022015). Collection method: clinical testing. Allele origin: germline.
Comment: This sequence change replaces methionine, which is neutral and non-polar, with isoleucine, which is neutral and non-polar, at codon 488 of the CCT2 protein (p.Met488Ile). This variant is present in population databases (rs759283790, gnomAD 0.01%). This variant has not been reported in the literature in individuals affected with CCT2-related conditions. ClinVar contains an entry for this variant (Variation ID: 1004444). An algorithm developed to predict the effect of missense changes on protein structure and function (PolyPhen-2) suggests that this variant is likely to be tolerated. In summary, the available evidence is currently insufficient to determine the role of this variant in disease. Therefore, it has been classified as a Variant of Uncertain Significance.

NM_006431.3(CCT2):c.1464G>A (p.Met488Ile)

Gene: CCT2 (chaperonin containing TCP1 subunit 2; plus strand). Cytogenetic location: 12q15.
Variant type: single nucleotide variant.
Coding change: c.1464G>A on transcript NM_006431.3 (MANE Select); coding-DNA position 1464, G replaced by A.
Protein change: p.Met488Ile; replaces methionine 488 with isoleucine.
Molecular consequence: missense variant.
Genome position (GRCh38, 1-based): chr12:69,599,891, G>A. VCF-style: chr12-69599891-G-A. GRCh37 (hg19) VCF-style: chr12-69993671-G-A.
Other names: c.1323G>A, p.Met441Ile (NM_001198842.2); c.1464G>A (NM_006431.2); short protein forms M441I, M488I.
Identifiers: ClinVar variation 1004444 (VCV001004444.9), dbSNP rs759283790, ClinGen allele CA6680883.